The following is an entry in ClinVar:

NM_004230.4(S1PR2):c.429C>T (p.Asp143=)

Gene: S1PR2 (sphingosine-1-phosphate receptor 2; minus strand). Cytogenetic location: 19p13.2.
Variant type: single nucleotide variant.
Coding change: c.429C>T on transcript NM_004230.4 (MANE Select); coding-DNA position 429, C replaced by T.
Protein change: p.Asp143=; no amino-acid change (aspartic acid 143 retained).
Molecular consequence: synonymous variant.
Genome position (GRCh38, 1-based): chr19:10,224,477, G>A on the plus strand (C>T on the coding strand, the complement: S1PR2 is on the minus strand). VCF-style: chr19-10224477-G-A. GRCh37 (hg19) VCF-style: chr19-10335153-G-A.
Identifiers: ClinVar variation 1570512 (VCV001570512.10), dbSNP rs774990809, ClinGen allele CA9189097.

ClinVar aggregate classification (germline): Conflicting classifications of pathogenicity. Review status: criteria provided, conflicting classifications (1 of 4 stars). 2 submissions from 2 submitters: Uncertain significance (1); Likely benign (1). Last evaluated 2025-09-24.

Allele frequency attached by ClinVar (database versions not stated): TOPMed below 0.00001; ExAC 0.00001.
gnomAD v4.1: 1 of 1,613,852 alleles (0.000062%); highest among the groups gnomAD compares: Admixed American, 0.0017%; no homozygotes.

Submissions (2):

GeneDx
Classification: Uncertain significance. Last evaluated: 2025-09-24. Review status: criteria provided, single submitter. Criteria: GeneDx Variant Classification Process June 2021. Collection method: clinical testing. Allele origin: germline.
Comment: Not observed at significant frequency in large population cohorts (gnomAD); In silico analysis suggests that this variant does not alter splicing; This variant is associated with the following publications: (PMID: 40069133)

Labcorp Genetics (formerly Invitae), Labcorp
Classification: Likely benign. Last evaluated: 2024-10-16. Review status: criteria provided, single submitter. Criteria: Invitae Variant Classification Sherloc (09022015). Collection method: clinical testing. Allele origin: germline.